The following is an entry in ClinVar:

NM_032578.4(MYPN):c.1854G>C (p.Val618=)

Gene: MYPN (myopalladin; plus strand). Cytogenetic location: 10q21.3.
Variant type: single nucleotide variant.
Coding change: c.1854G>C on transcript NM_032578.4 (MANE Select); coding-DNA position 1854, G replaced by C.
Protein change: p.Val618=; no amino-acid change (valine 618 retained).
Molecular consequence: synonymous variant. On other transcripts: non-coding transcript variant (2).
Genome position (GRCh38, 1-based): chr10:68,166,547, G>C. VCF-style: chr10-68166547-G-C. GRCh37 (hg19) VCF-style: chr10-69926304-G-C.
Other names: c.1854G>C, p.Val618= (NM_001256267.2); c.972G>C, p.Val324= (NM_001256268.2).
Identifiers: ClinVar variation 4874989 (VCV004874989.2).

ClinVar aggregate classification (germline): Likely benign (1 of 4 stars; one submission).

Submission:

CeGaT Center for Human Genetics Tuebingen
Classification: Likely benign. Last evaluated: 2026-05-01. Review status: criteria provided, single submitter. Criteria: CeGaT Center For Human Genetics Tuebingen Variant Classification Criteria Version 2. Collection method: clinical testing. Allele origin: germline. Affected: yes. Observed: 1 variant allele.
Comment: MYPN: PM2:Supporting, BP4, BP7